The following is an entry in ClinVar:

ClinVar aggregate classification (germline): Likely benign. Review status: criteria provided, multiple submitters, no conflicts (2 of 4 stars). 3 submissions from 3 submitters: Likely benign (3). Last evaluated 2025-06-02.

Conditions:
Short-rib thoracic dysplasia 13 with or without polydactyly (SRTD13). Identifiers: Orphanet 474, MedGen C4225378, MONDO:0014577, OMIM 616300.

Allele frequency attached by ClinVar (database versions not stated): gnomAD 0.00004; gnomAD exomes 0.00007 and 0.00015; TOPMed 0.00007; ExAC 0.00012; ESP Exome Variant Server 0.00016.

Submissions (3):

Labcorp Genetics (formerly Invitae), Labcorp
Classification: Likely benign for Short-rib thoracic dysplasia 13 with or without polydactyly. Last evaluated: 2025-06-02. Review status: criteria provided, single submitter. Criteria: Invitae Variant Classification Sherloc (09022015). Collection method: clinical testing. Allele origin: germline.

CeGaT Center for Human Genetics Tuebingen
Classification: Likely benign. Last evaluated: 2025-01-01. Review status: criteria provided, single submitter. Criteria: CeGaT Center For Human Genetics Tuebingen Variant Classification Criteria Version 2. Collection method: clinical testing. Allele origin: germline. Affected: yes. Observed: 2 variant alleles.
Comment: CEP120: BP4, BP7

Blueprint Genetics
Classification: Likely benign. Last evaluated: 2023-10-26. Review status: criteria provided, single submitter. Criteria: ACMG Guidelines, 2015. Collection method: clinical testing. Allele origin: germline.

NM_001375405.1(CEP120):c.963T>C (p.Leu321=)

Gene: CEP120 (centrosomal protein 120; minus strand). Cytogenetic location: 5q23.2.
Variant type: single nucleotide variant.
Coding change: c.963T>C on transcript NM_001375405.1 (MANE Select); coding-DNA position 963, T replaced by C.
Protein change: p.Leu321=; no amino-acid change (leucine 321 retained).
Molecular consequence: synonymous variant. On other transcripts: non-coding transcript variant (1).
Genome position (GRCh38, 1-based): chr5:123,391,185, A>G on the plus strand (T>C on the coding strand, the complement: CEP120 is on the minus strand). VCF-style: chr5-123391185-A-G. GRCh37 (hg19) VCF-style: chr5-122726879-A-G.
Other names: c.885T>C, p.Leu295= (NM_001166226.2); c.963T>C, p.Leu321= (NM_001375406.1, NM_001375407.1, NM_153223.4); c.390T>C, p.Leu130= (NM_001375408.1, NM_001375409.1).
Identifiers: ClinVar variation 1624523 (VCV001624523.23), dbSNP rs201148622, ClinGen allele CA3387100.